The following is an entry in ClinVar:

NM_000374.5(UROD):c.133+1del

Gene: UROD (uroporphyrinogen decarboxylase; plus strand). Cytogenetic location: 1p34.1.
Variant type: Deletion.
Coding change: c.133+1del on transcript NM_000374.5 (MANE Select); the canonical splice donor site of the intron after coding-DNA position 133, one base deleted (G; older notation c.133+1delG).
Molecular consequence: splice donor variant.
Genome position (GRCh38, 1-based): chr1:45,013,020, G deleted; the last of 2 consecutive G bases (chr1:45,013,019-45,013,020); deleting either gives the same sequence. VCF-style (leftmost placement, unchanged base first): chr1-45013018-AG-A. GRCh37 (hg19) VCF-style: chr1-45478690-AG-A.
Identifiers: ClinVar variation 1067802 (VCV001067802.7), dbSNP rs1569960119, ClinGen allele CA645517124.

ClinVar aggregate classification (germline): Likely pathogenic (1 of 4 stars; one submission).

Submission:

Labcorp Genetics (formerly Invitae), Labcorp
Classification: Likely pathogenic. Last evaluated: 2018-05-13. Review status: criteria provided, single submitter. Criteria: Invitae Variant Classification Sherloc (09022015). Collection method: clinical testing. Allele origin: germline.
Comment: This variant is not present in population databases (ExAC no frequency). In summary, the currently available evidence indicates that the variant is pathogenic, but additional data are needed to prove that conclusively. Therefore, this variant has been classified as Likely Pathogenic. Donor and acceptor splice site variants typically lead to a loss of protein function (PMID: 16199547), and loss-of-function variants in UROD are known to be pathogenic (PMID: 1634232, 17240319, 19233912, 19419417, 23545314). Algorithms developed to predict the effect of sequence changes on RNA splicing suggest that this variant may disrupt the consensus splice site, but this prediction has not been confirmed by published transcriptional studies. This variant has not been reported in the literature in individuals with UROD-related disease. This sequence change affects a donor splice site in intron 2 of the UROD gene. It is expected to disrupt RNA splicing and likely results in an absent or disrupted protein product.

Literature cited by the submitters: PubMed 16199547; PubMed 1634232; PubMed 17240319; PubMed 19233912; PubMed 19419417; PubMed 23545314.